The following is an entry in ClinVar:

ClinVar aggregate classification (germline): Likely benign (1 of 4 stars; one submission).

gnomAD v4.1: 304 of 1,614,054 alleles (0.019%); highest among the groups gnomAD compares: East Asian, 0.57%; 1 homozygote.

Submission:

CeGaT Center for Human Genetics Tuebingen
Classification: Likely benign. Last evaluated: 2026-04-01. Review status: criteria provided, single submitter. Criteria: CeGaT Center For Human Genetics Tuebingen Variant Classification Criteria Version 2. Collection method: clinical testing. Allele origin: germline. Affected: yes. Observed: 1 variant allele.
Comment: SLC7A6OS: BP4, BP7

NM_032178.3(SLC7A6OS):c.711C>T (p.Tyr237=)

Gene: SLC7A6OS (solute carrier family 7 member 6 opposite strand; minus strand). Cytogenetic location: 16q22.1.
Variant type: single nucleotide variant.
Coding change: c.711C>T on transcript NM_032178.3 (MANE Select); coding-DNA position 711, C replaced by T.
Protein change: p.Tyr237=; no amino-acid change (tyrosine 237 retained).
Molecular consequence: synonymous variant.
Genome position (GRCh38, 1-based): chr16:68,302,469, G>A on the plus strand (C>T on the coding strand, the complement: SLC7A6OS is on the minus strand). VCF-style: chr16-68302469-G-A. GRCh37 (hg19) VCF-style: chr16-68336372-G-A.
Identifiers: ClinVar variation 4873234 (VCV004873234.2).